The following is an entry in ClinVar:

NM_014844.5(TECPR2):c.3086C>T (p.Thr1029Met)

Gene: TECPR2 (tectonin beta-propeller repeat containing 2; plus strand). Cytogenetic location: 14q32.31.
Variant type: single nucleotide variant.
Coding change: c.3086C>T on transcript NM_014844.5 (MANE Select); coding-DNA position 3086, C replaced by T.
Protein change: p.Thr1029Met; replaces threonine 1029 with methionine.
Molecular consequence: missense variant.
Genome position (GRCh38, 1-based): chr14:102,449,639, C>T. VCF-style: chr14-102449639-C-T. GRCh37 (hg19) VCF-style: chr14-102915976-C-T.
Other names: c.3086C>T, p.Thr1029Met (NM_001172631.3); short protein forms T1029M.
Identifiers: ClinVar variation 2046610 (VCV002046610.3), dbSNP rs775967979, ClinGen allele CA7358140.

ClinVar aggregate classification (germline): Uncertain significance (1 of 4 stars; one submission).

Conditions:
Hereditary spastic paraplegia 49 (HSAN9). Also called: TECPR2-Related Hereditary Sensory and Autonomic Neuropathy with Intellectual Disability; NEUROPATHY, HEREDITARY SENSORY AND AUTONOMIC, TYPE IX, WITH DEVELOPMENTAL DELAY; Spastic paraplegia 49, autosomal recessive. Identifiers: Orphanet 320385, MedGen C5190860, MONDO:0014016, OMIM 615031.

Allele frequency attached by ClinVar (database versions not stated): TOPMed 0.00002; gnomAD 0.00003.
gnomAD v4.1: 12 of 1,613,978 alleles (0.00074%); highest among the groups gnomAD compares: Admixed American, 0.0033%; no homozygotes.

Submission:

Labcorp Genetics (formerly Invitae), Labcorp
Classification: Uncertain significance for Hereditary spastic paraplegia 49. Last evaluated: 2024-06-17. Review status: criteria provided, single submitter. Criteria: Invitae Variant Classification Sherloc (09022015). Collection method: clinical testing. Allele origin: germline.
Comment: This sequence change replaces threonine, which is neutral and polar, with methionine, which is neutral and non-polar, at codon 1029 of the TECPR2 protein (p.Thr1029Met). This variant is present in population databases (rs775967979, gnomAD 0.0009%). This variant has not been reported in the literature in individuals affected with TECPR2-related conditions. ClinVar contains an entry for this variant (Variation ID: 2046610). An algorithm developed to predict the effect of missense changes on protein structure and function (PolyPhen-2) suggests that this variant is likely to be disruptive. In summary, the available evidence is currently insufficient to determine the role of this variant in disease. Therefore, it has been classified as a Variant of Uncertain Significance.